The following is an entry in ClinVar:

ClinVar aggregate classification (germline): Uncertain significance (1 of 4 stars; one submission).

Conditions:
Hereditary diffuse gastric adenocarcinoma (HDGC). Also called: DIFFUSE GASTRIC AND LOBULAR BREAST CANCER SYNDROME. Identifiers: Orphanet 26106, MedGen C1708349, MONDO:0007648, OMIM 137215.

Submission:

Labcorp Genetics (formerly Invitae), Labcorp
Classification: Uncertain significance for Hereditary diffuse gastric adenocarcinoma. Last evaluated: 2018-11-06. Review status: criteria provided, single submitter. Criteria: Invitae Variant Classification Sherloc (09022015). Collection method: clinical testing. Allele origin: germline.
Comment: In summary, the available evidence is currently insufficient to determine the role of this variant in disease. Therefore, it has been classified as a Variant of Uncertain Significance. Algorithms developed to predict the effect of missense changes on protein structure and function (SIFT, PolyPhen-2, Align-GVGD) all suggest that this variant is likely to be tolerated, but these predictions have not been confirmed by published functional studies and their clinical significance is uncertain. This variant has not been reported in the literature in individuals with CDH1-related disease. This variant is not present in population databases (ExAC no frequency). This sequence change replaces aspartic acid with valine at codon 33 of the CDH1 protein (p.Asp33Val). The aspartic acid residue is weakly conserved and there is a large physicochemical difference between aspartic acid and valine.

NM_004360.5(CDH1):c.98A>T (p.Asp33Val)

Gene: CDH1 (cadherin 1; plus strand). Cytogenetic location: 16q22.1.
Variant type: single nucleotide variant.
Coding change: c.98A>T on transcript NM_004360.5 (MANE Select); coding-DNA position 98, A replaced by T.
Protein change: p.Asp33Val; replaces aspartic acid 33 with valine.
Molecular consequence: missense variant. On other transcripts: 5 prime UTR variant (2).
Genome position (GRCh38, 1-based): chr16:68,738,346, A>T. VCF-style: chr16-68738346-A-T. GRCh37 (hg19) VCF-style: chr16-68772249-A-T.
Other names: c.98A>T (LRG_301t1); c.98A>T, p.Asp33Val (NM_001317184.2); c.-1518A>T (NM_001317185.2); c.-1722A>T (NM_001317186.2); short protein forms D33V.
Identifiers: ClinVar variation 655915 (VCV000655915.7), dbSNP rs1597838602, ClinGen allele CA396451930.